The following is an entry in ClinVar:

ClinVar aggregate classification (germline): Uncertain significance (1 of 4 stars; one submission).

gnomAD v4.1: 1 of 1,613,916 alleles (0.000062%); no homozygotes.

Submission:

GeneDx
Classification: Uncertain significance. Last evaluated: 2019-08-26. Review status: criteria provided, single submitter. Criteria: GeneDx Variant Classification Process June 2021. Collection method: clinical testing. Allele origin: germline. Affected: yes.
Comment: Not observed at a significant frequency in large population cohorts (Lek et al., 2016); In silico analysis, which includes protein predictors and evolutionary conservation, supports a deleterious effect; Has not been previously published as pathogenic or benign to our knowledge

NM_000334.4(SCN4A):c.5216G>T (p.Arg1739Leu)

Genes: GH-LCR (growth hormone locus control region; plus strand), SCN4A (sodium voltage-gated channel alpha subunit 4; minus strand). Cytogenetic location: 17q23.3.
Variant type: single nucleotide variant.
Coding change: c.5216G>T on transcript NM_000334.4 (MANE Select); coding-DNA position 5216, G replaced by T.
Protein change: p.Arg1739Leu; replaces arginine 1739 with leucine.
Molecular consequence: missense variant.
Genome position (GRCh38, 1-based): chr17:63,941,066, C>A on the plus strand (G>T on the coding strand, the complement: SCN4A is on the minus strand). VCF-style: chr17-63941066-C-A. GRCh37 (hg19) VCF-style: chr17-62018426-C-A.
Other names: short protein forms R1739L.
Identifiers: ClinVar variation 1307832 (VCV001307832.2), dbSNP rs1388841552, ClinGen allele CA400613398.